The following is an entry in ClinVar:

ClinVar aggregate classification (germline): Pathogenic (1 of 4 stars; one submission).

Conditions:
Neurodegeneration with brain iron accumulation (NBIA). Identifiers: Orphanet 385, MedGen C2931845, MONDO:0018307.

Submission:

Women's Health and Genetics/Laboratory Corporation of America, LabCorp
Classification: Pathogenic for Neurodegeneration with brain iron accumulation. Last evaluated: 2026-01-27. Review status: criteria provided, single submitter. Criteria: LabCorp Variant Classification Summary - May 2015. Collection method: clinical testing. Allele origin: germline.
Comment: Variant summary: The variant involves the duplication of exons 4-7 in the PLA2G6 gene. It is assumed to be a tandem duplication in direct orientation (PMIDs: 25640679, 30054569). This Copy Number Variant (CNV) is expected to alter the reading frame and predicted to result in a truncation or absence of the encoded protein due to nonsense mediated decay (NMD). Loss-of-function variants in this gene are known to be pathogenic. A presumed nomenclature of c.(425+1_426-1)_(1077+1_1078-1)dup has been designated for the purposes of this classification. The variant was absent in 21694 control chromosomes. c.(425+1_426-1)_(1077+1_1078-1)dup has been observed in individual(s) affected with Infantile neuroaxonal dystrophy (examples: Davids_2016, Crompton_2010). The following publications have been ascertained in the context of this evaluation (PMID: 26668131, 20226704). ClinVar contains an entry for this variant (Variation ID: 1076982). Based on the evidence outlined above, the variant was classified as pathogenic.

Literature cited by the submitters: PubMed 26668131; PubMed 20226704.

NC_000022.10:g.(38525570_38528837)_(38539296_38541444)dup

Gene: PLA2G6 (phospholipase A2 group VI; minus strand). Cytogenetic location: 22q13.1.
Variant type: Duplication.
Identifiers: ClinVar variation 4689245 (VCV004689245.1).